The following is an entry in ClinVar:

ClinVar aggregate classification (germline): Likely benign (0 of 4 stars; one submission).

Conditions:
NEIL1-related disorder. Also called: NEIL1-related condition.

gnomAD v4.1: 5 of 1,614,164 alleles (0.00031%); highest among the groups gnomAD compares: East Asian, 0.0022%; no homozygotes.

Submission:

PreventionGenetics, part of Exact Sciences
Classification: Likely benign for NEIL1-related condition. Last evaluated: 2019-03-27. Review status: no assertion criteria provided. Collection method: clinical testing. Allele origin: germline.
Comment: This variant is classified as likely benign based on ACMG/AMP sequence variant interpretation guidelines (Richards et al. 2015 PMID: 25741868, with internal and published modifications).

NM_024608.4(NEIL1):c.753G>A (p.Glu251=)

Gene: NEIL1 (nei like DNA glycosylase 1; plus strand). Cytogenetic location: 15q24.2.
Variant type: single nucleotide variant.
Coding change: c.753G>A on transcript NM_024608.4 (MANE Select); coding-DNA position 753, G replaced by A.
Protein change: p.Glu251=; no amino-acid change (glutamic acid 251 retained).
Molecular consequence: synonymous variant. On other transcripts: non-coding transcript variant (1).
Genome position (GRCh38, 1-based): chr15:75,353,773, G>A. VCF-style: chr15-75353773-G-A. GRCh37 (hg19) VCF-style: chr15-75646114-G-A.
Other names: c.1011G>A, p.Glu337= (NM_001256552.1); c.447G>A, p.Glu149= (NM_001352520.2).
Identifiers: ClinVar variation 3040483 (VCV003040483.2), dbSNP rs772698482, ClinGen allele CA7665691.